The following is an entry in ClinVar:

NM_001130987.2(DYSF):c.2926A>G (p.Thr976Ala)

Gene: DYSF (dysferlin; plus strand). Cytogenetic location: 2p13.2.
Variant type: single nucleotide variant.
Coding change: c.2926A>G on transcript NM_001130987.2 (MANE Select); coding-DNA position 2926, A replaced by G.
Protein change: p.Thr976Ala; replaces threonine 976 with alanine.
Molecular consequence: missense variant.
Genome position (GRCh38, 1-based): chr2:71,569,881, A>G. VCF-style: chr2-71569881-A-G. GRCh37 (hg19) VCF-style: chr2-71797011-A-G.
Other names: c.2875A>G, p.Thr959Ala (NM_001130455.2, NM_001130983.2); c.2830A>G, p.Thr944Ala (NM_001130976.2, NM_001130977.2); c.2872A>G, p.Thr958Ala (NM_001130978.2, NM_003494.4); c.2965A>G, p.Thr989Ala (NM_001130979.2); c.2923A>G, p.Thr975Ala (NM_001130980.2, NM_001130981.2); c.2968A>G, p.Thr990Ala (NM_001130982.2); c.2833A>G, p.Thr945Ala (NM_001130984.2, NM_001130986.2); c.2926A>G, p.Thr976Ala (NM_001130985.2); short protein forms T958A, T976A, T944A, T975A, T945A, T959A, T989A, T990A.
Identifiers: ClinVar variation 288850 (VCV000288850.13), dbSNP rs886044026, ClinGen allele CA10606248.
Genomic context (GRCh38, chr2:71,569,881, plus strand): 5'-CTGCTCCATGACATGGACGCCGGTCACCTGAGCTTCGTGGAAGAGGTGTTTGAGAACCAG[A>G]CCCGGCTTCCCGGAGGCCAGTGGATCTACATGAGTGACAACTACACCGATGTGGTAAAGC-3'
Protein context (NP_001124459.1, residues 966-986): SFVEEVFENQ[Thr976Ala]RLPGGQWIYM

ClinVar aggregate classification (germline): Uncertain significance. Review status: criteria provided, multiple submitters, no conflicts (2 of 4 stars). 2 submissions from 2 submitters: Uncertain significance (2). Last evaluated 2022-04-13.

Conditions:
Neuromuscular disease caused by qualitative or quantitative defects of dysferlin. Also called: Dysferlinopathy; Qualitative or quantitative defects of dysferlin. Identifiers: Orphanet 207073, MedGen C2931687, MONDO:0016145.

Allele frequency attached by ClinVar (database versions not stated): TOPMed below 0.00001.

Submissions (2):

Labcorp Genetics (formerly Invitae), Labcorp
Classification: Uncertain significance for Neuromuscular disease caused by qualitative or quantitative defects of dysferlin. Last evaluated: 2022-04-13. Review status: criteria provided, single submitter. Criteria: Invitae Variant Classification Sherloc (09022015). Collection method: clinical testing. Allele origin: germline.
Comment: In summary, the available evidence is currently insufficient to determine the role of this variant in disease. Therefore, it has been classified as a Variant of Uncertain Significance. Advanced modeling of protein sequence and biophysical properties (such as structural, functional, and spatial information, amino acid conservation, physicochemical variation, residue mobility, and thermodynamic stability) performed at Invitae indicates that this missense variant is not expected to disrupt DYSF protein function. ClinVar contains an entry for this variant (Variation ID: 288850). This missense change has been observed in individual(s) with clinical features of limb-girdle muscular dystrophy (PMID: 30564623). This variant is not present in population databases (gnomAD no frequency). This sequence change replaces threonine, which is neutral and polar, with alanine, which is neutral and non-polar, at codon 958 of the DYSF protein (p.Thr958Ala).

Eurofins Ntd Llc (ga)
Classification: Uncertain significance. Last evaluated: 2016-06-19. Review status: criteria provided, single submitter. Criteria: EGL Classification Definitions 2015. Collection method: clinical testing. Allele origin: germline. Observed: 1 variant allele, 1 heterozygote.

Literature cited by the submitters: PubMed 30564623 (cited by Labcorp Genetics (formerly Invitae), Labcorp).